The following is an entry in ClinVar:

NM_000293.3(PHKB):c.3003G>A (p.Glu1001=)

Gene: PHKB (phosphorylase kinase regulatory subunit beta; plus strand). Cytogenetic location: 16q12.1.
Variant type: single nucleotide variant.
Coding change: c.3003G>A on transcript NM_000293.3 (MANE Select); coding-DNA position 3003, G replaced by A.
Protein change: p.Glu1001=; no amino-acid change (glutamic acid 1001 retained).
Molecular consequence: synonymous variant.
Genome position (GRCh38, 1-based): chr16:47,696,488, G>A. VCF-style: chr16-47696488-G-A. GRCh37 (hg19) VCF-style: chr16-47730399-G-A.
Other names: c.2982G>A, p.Glu994= (NM_001031835.3); c.3003G>A, p.Glu1001= (NM_001363837.1).
Identifiers: ClinVar variation 2072727 (VCV002072727.2), dbSNP rs760883941, ClinGen allele CA8041394.
Genomic context (GRCh38, chr16:47,696,488, plus strand): 5'-CCTTGTTGAAGACACGTTGGGAAATATTGACCAGCCACAGTACAGACAGATCGTTGTAGA[G>A]GTGAGTAGTAAGAAATGAAGATTGCTGAATAAATGCCTTCTCTCTGCTCCGTGAAAACTA-3'
Protein context (NP_000284.1, residues 991-1011): DQPQYRQIVV[Glu1001=]LLMVVSIVLE

ClinVar aggregate classification (germline): Uncertain significance (1 of 4 stars; one submission).

Conditions:
Glycogen storage disease IXb (GSD9B). Also called: PHOSPHORYLASE KINASE DEFICIENCY OF LIVER AND MUSCLE, AUTOSOMAL RECESSIVE; GLYCOGENOSIS OF LIVER AND MUSCLE, AUTOSOMAL RECESSIVE; GSD IXb. Identifiers: Orphanet 79240, MedGen C0543514, MONDO:0009868, OMIM 261750.

Allele frequency attached by ClinVar (database versions not stated): gnomAD 0.00001; gnomAD exomes 0.00001; ExAC 0.00002; TOPMed 0.00002.
gnomAD v4.1: 9 of 1,520,074 alleles (0.00059%); highest among the groups gnomAD compares: Admixed American, 0.013%; 1 homozygote.

Submission:

Labcorp Genetics (formerly Invitae), Labcorp
Classification: Uncertain significance for Glycogen storage disease IXb. Last evaluated: 2025-11-10. Review status: criteria provided, single submitter. Criteria: Invitae Variant Classification Sherloc (09022015). Collection method: clinical testing. Allele origin: germline.
Comment: This sequence change affects codon 1001 of the PHKB mRNA. It is a 'silent' change, meaning that it does not change the encoded amino acid sequence of the PHKB protein. This variant also falls at the last nucleotide of exon 29, which is part of the consensus splice site for this exon. This variant is present in population databases (rs760883941, gnomAD 0.01%). This variant has not been reported in the literature in individuals affected with PHKB-related conditions. ClinVar contains an entry for this variant (Variation ID: 2072727). Variants that disrupt the consensus splice site are a relatively common cause of aberrant splicing (PMID: 17576681, 9536098). Algorithms developed to predict the effect of sequence changes on RNA splicing suggest that this variant is not likely to affect RNA splicing. In summary, the available evidence is currently insufficient to determine the role of this variant in disease. Therefore, it has been classified as a Variant of Uncertain Significance.

Literature cited by the submitters: PubMed 17576681; PubMed 9536098.